The following is an entry in ClinVar:

ClinVar aggregate classification (germline): Uncertain significance (1 of 4 stars; one submission).

Conditions:
Congenital myasthenic syndrome 8. Also called: MYASTHENIC SYNDROME, CONGENITAL, DUE TO AGRIN DEFICIENCY; Myasthenic syndrome, congenital, 8, with pre- and postsynaptic defects. Identifiers: Orphanet 590, MedGen C3808739, MONDO:0014052, OMIM 615120.

gnomAD v4.1: 1 of 1,610,550 alleles (0.000062%); highest among the groups gnomAD compares: Admixed American, 0.0017%; no homozygotes.

Submission:

Labcorp Genetics (formerly Invitae), Labcorp
Classification: Uncertain significance for Congenital myasthenic syndrome 8. Last evaluated: 2020-10-08. Review status: criteria provided, single submitter. Criteria: Invitae Variant Classification Sherloc (09022015). Collection method: clinical testing. Allele origin: germline.
Comment: In summary, the available evidence is currently insufficient to determine the role of this variant in disease. Therefore, it has been classified as a Variant of Uncertain Significance. Algorithms developed to predict the effect of missense changes on protein structure and function are either unavailable or do not agree on the potential impact of this missense change (SIFT: "Tolerated"; PolyPhen-2: "Probably Damaging"; Align-GVGD: "Class C0"). This variant has not been reported in the literature in individuals with AGRN-related conditions. This variant is present in population databases (rs201604787, ExAC 0.01%). This sequence change replaces threonine with arginine at codon 1913 of the AGRN protein (p.Thr1913Arg). The threonine residue is weakly conserved and there is a moderate physicochemical difference between threonine and arginine.

NM_198576.4(AGRN):c.5738C>G (p.Thr1913Arg)

Gene: AGRN (agrin; plus strand). Cytogenetic location: 1p36.33.
Variant type: single nucleotide variant.
Coding change: c.5738C>G on transcript NM_198576.4 (MANE Select); coding-DNA position 5738, C replaced by G.
Protein change: p.Thr1913Arg; replaces threonine 1913 with arginine.
Molecular consequence: missense variant.
Genome position (GRCh38, 1-based): chr1:1,053,839, C>G. VCF-style: chr1-1053839-C-G. GRCh37 (hg19) VCF-style: chr1-989219-C-G.
Other names: c.5807C>G, p.Thr1936Arg (NM_001305275.2); c.5435C>G, p.Thr1812Arg (NM_001364727.2); short protein forms T1812R, T1913R, T1936R.
Identifiers: ClinVar variation 1061774 (VCV001061774.9), dbSNP rs201604787, ClinGen allele CA510214.